The following is an entry in ClinVar:

NM_002473.6(MYH9):c.5694C>T (p.Arg1898=)

Gene: MYH9 (myosin heavy chain 9; minus strand). Cytogenetic location: 22q12.3.
Variant type: single nucleotide variant.
Coding change: c.5694C>T on transcript NM_002473.6 (MANE Select); coding-DNA position 5694, C replaced by T.
Protein change: p.Arg1898=; no amino-acid change (arginine 1898 retained).
Molecular consequence: synonymous variant.
Genome position (GRCh38, 1-based): chr22:36,284,164, G>A on the plus strand (C>T on the coding strand, the complement: MYH9 is on the minus strand). VCF-style: chr22-36284164-G-A. GRCh37 (hg19) VCF-style: chr22-36680210-G-A.
Identifiers: ClinVar variation 1120142 (VCV001120142.9), dbSNP rs559732738, ClinGen allele CA10208963.

ClinVar aggregate classification (germline): Benign/Likely benign. Review status: criteria provided, multiple submitters, no conflicts (2 of 4 stars). 2 submissions from 2 submitters: Benign (1); Likely benign (1). Last evaluated 2025-06-12.

Allele frequency attached by ClinVar (database versions not stated): ExAC 0.00002; gnomAD exomes 0.00002; TOPMed 0.00006; gnomAD 0.00007 and 0.00008.
gnomAD v4.1: 55 of 1,614,010 alleles (0.0034%); highest among the groups gnomAD compares: African/African-American, 0.015%; no homozygotes.

Submissions (2):

Labcorp Genetics (formerly Invitae), Labcorp
Classification: Benign. Last evaluated: 2025-06-12. Review status: criteria provided, single submitter. Criteria: Invitae Variant Classification Sherloc (09022015). Collection method: clinical testing. Allele origin: germline.

Laboratory for Molecular Medicine, Mass General Brigham Personalized Medicine
Classification: Likely benign. Last evaluated: 2017-08-23. Review status: criteria provided, single submitter. Criteria: LMM Criteria. Collection method: clinical testing. Allele origin: germline. Observed: 1 variant allele.
Comment: p.Arg1898Arg in exon 40 of MYH9: This variant is not expected to have clinical significance because it does not alter an amino acid residue and is not located within the splice consensus sequence. It has been identified in 1/10236 African chromosomes by the Exome Aggregation Consortium (ExAC; dbSNP rs559732738).